The following is an entry in ClinVar:

ClinVar aggregate classification (germline): Uncertain significance (1 of 4 stars; one submission).

Conditions:
Severe combined immunodeficiency due to LCK deficiency. Also called: Immunodeficiency 22. Identifiers: Orphanet 280142, MedGen C4014233, MONDO:0014334, OMIM 615758.

Allele frequency attached by ClinVar (database versions not stated): gnomAD exomes below 0.00001; ExAC 0.00001; gnomAD 0.00001; ESP Exome Variant Server 0.00008.
gnomAD v4.1: 5 of 1,614,078 alleles (0.00031%); highest among the groups gnomAD compares: Non-Finnish European, 0.00042%; no homozygotes.

Submission:

Labcorp Genetics (formerly Invitae), Labcorp
Classification: Uncertain significance for Severe combined immunodeficiency due to LCK deficiency. Last evaluated: 2022-03-13. Review status: criteria provided, single submitter. Criteria: Invitae Variant Classification Sherloc (09022015). Collection method: clinical testing. Allele origin: germline.
Comment: This sequence change replaces tyrosine, which is neutral and polar, with histidine, which is basic and polar, at codon 414 of the LCK protein (p.Tyr414His). This variant is present in population databases (rs61781208, gnomAD 0.002%). This variant has not been reported in the literature in individuals affected with LCK-related conditions. Algorithms developed to predict the effect of missense changes on protein structure and function (SIFT, PolyPhen-2, Align-GVGD) all suggest that this variant is likely to be disruptive. In summary, the available evidence is currently insufficient to determine the role of this variant in disease. Therefore, it has been classified as a Variant of Uncertain Significance.

NM_005356.5(LCK):c.1240T>C (p.Tyr414His)

Gene: LCK (LCK proto-oncogene, Src family tyrosine kinase; plus strand). Cytogenetic location: 1p35.2.
Variant type: single nucleotide variant.
Coding change: c.1240T>C on transcript NM_005356.5 (MANE Select); coding-DNA position 1240, T replaced by C.
Protein change: p.Tyr414His; replaces tyrosine 414 with histidine.
Molecular consequence: missense variant.
Genome position (GRCh38, 1-based): chr1:32,280,123, T>C. VCF-style: chr1-32280123-T-C. GRCh37 (hg19) VCF-style: chr1-32745724-T-C.
Other names: c.1240T>C, p.Tyr414His (NM_001042771.3); c.1087T>C, p.Tyr363His (NM_001330468.2); short protein forms Y363H, Y414H.
Identifiers: ClinVar variation 2192639 (VCV002192639.1), dbSNP rs61781208, ClinGen allele CA741323.